The following is an entry in ClinVar:

NM_017739.4(POMGNT1):c.439C>T (p.Arg147Cys)

Genes: POMGNT1 (protein O-linked mannose N-acetylglucosaminyltransferase 1 (beta 1,2-); minus strand), TSPAN1 (tetraspanin 1; plus strand). Cytogenetic location: 1p34.1.
Variant type: single nucleotide variant.
Coding change: c.439C>T on transcript NM_017739.4 (MANE Select); coding-DNA position 439, C replaced by T.
Protein change: p.Arg147Cys; replaces arginine 147 with cysteine.
Molecular consequence: missense variant.
Genome position (GRCh38, 1-based): chr1:46,195,906, G>A on the plus strand (C>T on the coding strand, the complement: POMGNT1 is on the minus strand). VCF-style: chr1-46195906-G-A. GRCh37 (hg19) VCF-style: chr1-46661578-G-A.
Other names: c.439C>T, p.Arg147Cys (NM_001243766.2, NM_001410783.1); c.373C>T, p.Arg125Cys (NM_001290129.3); c.10C>T, p.Arg4Cys (NM_001290130.2); short protein forms R147C, R125C, R4C.
Identifiers: ClinVar variation 652269 (VCV000652269.7), dbSNP rs780641373, ClinGen allele CA833724.
Genomic context (GRCh38, chr1:46,195,906, plus strand): 5'-CCATGTTGAGGAATAGCACCATGGCCTCATCCTCATGAGGTGAGTACGTGTCAAACACAC[G>A]TTTTGCCATCACGTGGCCCTGGCAGGGGATATACTTCTGGTGAGTTGGTGTCATCAGCAA-3'
Protein context (NP_060209.4, residues 137-157): NQATGHVMAK[Arg147Cys]VFDTYSPHED

ClinVar aggregate classification (germline): Uncertain significance. Review status: criteria provided, multiple submitters, no conflicts (2 of 4 stars). 4 submissions from 4 submitters: Uncertain significance (3). 1 of the submissions does not count toward it. Last evaluated 2025-06-07.

Conditions:
Autosomal recessive limb-girdle muscular dystrophy type 2O. Also called: Limb-Girdle Muscular Dystrophy Type 3C; MUSCULAR DYSTROPHY-DYSTROGLYCANOPATHY, LIMB-GIRDLE, POMGNT1-RELATED; MUSCULAR DYSTROPHY-DYSTROGLYCANOPATHY (LIMB-GIRDLE), TYPE C, 3. Identifiers: Orphanet 206564, MedGen C3150417, MONDO:0013161, OMIM 613157.
Muscular dystrophy-dystroglycanopathy (congenital with impaired intellectual development), type B, 3. Also called: Muscular dystrophy-dystroglycanopathy (congenital with intellectual disability), type B3; MUSCULAR DYSTROPHY, CONGENITAL, POMGNT1-RELATED. Identifiers: MedGen C3150412, MONDO:0013155, OMIM 613151.
Inborn genetic diseases. Identifiers: MedGen C0950123, MeSH D030342.
Muscle eye brain disease (MEB). Also called: Santavuori congenital muscular dystrophy. Identifiers: Orphanet 588, Orphanet 899, MedGen C0457133, MONDO:0018939.

Allele frequency attached by ClinVar (database versions not stated): TOPMed 0.00002; gnomAD exomes 0.00001 and 0.00002; gnomAD 0.00001; ExAC 0.00003.
gnomAD v4.1: 16 of 1,613,930 alleles (0.00099%); highest among the groups gnomAD compares: African/African-American, 0.0013%; no homozygotes.

Submissions (4):

Ambry Genetics
Classification: Uncertain significance for Inborn genetic diseases. Last evaluated: 2025-06-07. Review status: criteria provided, single submitter. Criteria: Ambry Variant Classification Scheme 2023. Collection method: clinical testing. Allele origin: germline.

Blueprint Genetics
Classification: Uncertain significance. Last evaluated: 2023-11-07. Review status: criteria provided, single submitter. Criteria: ACMG Guidelines, 2015. Collection method: clinical testing. Allele origin: germline.

Labcorp Genetics (formerly Invitae), Labcorp
Classification: Uncertain significance for Autosomal recessive limb-girdle muscular dystrophy type 2O; Muscular dystrophy-dystroglycanopathy (congenital with impaired intellectual development), type B, 3. Last evaluated: 2022-10-03. Review status: criteria provided, single submitter. Criteria: Invitae Variant Classification Sherloc (09022015). Collection method: clinical testing. Allele origin: germline.
Comment: This sequence change replaces arginine, which is basic and polar, with cysteine, which is neutral and slightly polar, at codon 147 of the POMGNT1 protein (p.Arg147Cys). This variant is present in population databases (rs780641373, gnomAD 0.004%). This variant has not been reported in the literature in individuals affected with POMGNT1-related conditions. ClinVar contains an entry for this variant (Variation ID: 652269). Advanced modeling of protein sequence and biophysical properties (such as structural, functional, and spatial information, amino acid conservation, physicochemical variation, residue mobility, and thermodynamic stability) has been performed at Invitae for this missense variant, however the output from this modeling did not meet the statistical confidence thresholds required to predict the impact of this variant on POMGNT1 protein function. In summary, the available evidence is currently insufficient to determine the role of this variant in disease. Therefore, it has been classified as a Variant of Uncertain Significance.

Natera, Inc.
Classification: Uncertain significance for Muscle-eye-brain disease. Last evaluated: 2020-09-26. Review status: no assertion criteria provided. Collection method: clinical testing. Allele origin: germline. Not counted in ClinVar's aggregate classification.